The following is an entry in ClinVar:

NM_005506.4(SCARB2):c.910A>G (p.Asn304Asp)

Gene: SCARB2 (scavenger receptor class B member 2; minus strand). Cytogenetic location: 4q21.1.
Variant type: single nucleotide variant.
Coding change: c.910A>G on transcript NM_005506.4 (MANE Select); coding-DNA position 910, A replaced by G.
Protein change: p.Asn304Asp; replaces asparagine 304 with aspartic acid.
Molecular consequence: missense variant.
Genome position (GRCh38, 1-based): chr4:76,174,228, T>C on the plus strand (A>G on the coding strand, the complement: SCARB2 is on the minus strand). VCF-style: chr4-76174228-T-C. GRCh37 (hg19) VCF-style: chr4-77095381-T-C.
Other names: c.481A>G, p.Asn161Asp (NM_001204255.2); short protein forms N304D, N161D.
Identifiers: ClinVar variation 1441981 (VCV001441981.8), dbSNP rs1732197179, ClinGen allele CA357315821.

ClinVar aggregate classification (germline): Uncertain significance (1 of 4 stars; one submission).

Conditions:
Progressive myoclonic epilepsy. Also called: Progressive myoclonus epilepsy; Familial progressive myoclonic epilepsy; Myoclonic Epilepsies, Progressive; Myoclonus epilepsy. Identifiers: Orphanet 308, Orphanet 98261, MedGen C0751778, MONDO:0020074.

Allele frequency attached by ClinVar (database versions not stated): TOPMed 0.00001.

Submission:

Labcorp Genetics (formerly Invitae), Labcorp
Classification: Uncertain significance for Progressive myoclonic epilepsy. Last evaluated: 2022-10-25. Review status: criteria provided, single submitter. Criteria: Invitae Variant Classification Sherloc (09022015). Collection method: clinical testing. Allele origin: germline.
Comment: This sequence change replaces asparagine, which is neutral and polar, with aspartic acid, which is acidic and polar, at codon 304 of the SCARB2 protein (p.Asn304Asp). In summary, the available evidence is currently insufficient to determine the role of this variant in disease. Therefore, it has been classified as a Variant of Uncertain Significance. Advanced modeling of protein sequence and biophysical properties (such as structural, functional, and spatial information, amino acid conservation, physicochemical variation, residue mobility, and thermodynamic stability) performed at Invitae indicates that this missense variant is not expected to disrupt SCARB2 protein function. ClinVar contains an entry for this variant (Variation ID: 1441981). This variant has not been reported in the literature in individuals affected with SCARB2-related conditions. This variant is not present in population databases (gnomAD no frequency).